The following is an entry in ClinVar:

ClinVar aggregate classification (germline): Benign/Likely benign. Review status: criteria provided, multiple submitters, no conflicts (2 of 4 stars). 3 submissions from 3 submitters: Benign (2); Likely benign (1). Last evaluated 2024-06-26.

Conditions:
Emery-Dreifuss muscular dystrophy 5, autosomal dominant (EDMD5). Also called: EMERY-DREIFUSS MUSCULAR DYSTROPHY 5. Identifiers: Orphanet 261, MedGen C2751805, MONDO:0013072, OMIM 612999.

Allele frequency attached by ClinVar (database versions not stated): TOPMed 0.00005; gnomAD 0.00006; gnomAD exomes 0.00029; ExAC 0.00038; 1000 Genomes Project 30x 0.00094; 1000 Genomes Project 0.00140.
gnomAD v4.1: 476 of 1,603,072 alleles (0.03%); highest among the groups gnomAD compares: East Asian, 1%; 3 homozygotes.

Submissions (3):

Labcorp Genetics (formerly Invitae), Labcorp
Classification: Benign for Emery-Dreifuss muscular dystrophy 5, autosomal dominant. Last evaluated: 2024-06-26. Review status: criteria provided, single submitter. Criteria: Invitae Variant Classification Sherloc (09022015). Collection method: clinical testing. Allele origin: germline.

Illumina Laboratory Services, Illumina
Classification: Benign for Emery-Dreifuss muscular dystrophy 5, autosomal dominant. Last evaluated: 2018-01-13. Review status: criteria provided, single submitter. Criteria: ICSL Variant Classification Criteria 13 December 2019. Collection method: clinical testing. Allele origin: germline.
Comment: This variant was observed in the ICSL laboratory as part of a predisposition screen in an ostensibly healthy population. It had not been previously curated by ICSL or reported in the Human Gene Mutation Database (HGMD: prior to June 1st, 2018), and was therefore a candidate for classification through an automated scoring system. Utilizing variant allele frequency, disease prevalence and penetrance estimates, and inheritance mode, an automated score was calculated to assess if this variant is too frequent to cause the disease. Based on the score and internal cut-off values, a variant classified as benign is not then subjected to further curation. The score for this variant resulted in a classification of benign for this disease.

Eurofins Ntd Llc (ga)
Classification: Likely benign. Last evaluated: 2015-08-13. Review status: criteria provided, single submitter. Criteria: EGL Classification Definitions 2015. Collection method: clinical testing. Allele origin: germline. Observed: 1 variant allele, 1 heterozygote.

NM_182914.3(SYNE2):c.4785C>A (p.Asn1595Lys)

Gene: SYNE2 (spectrin repeat containing nuclear envelope protein 2; plus strand). Cytogenetic location: 14q23.2.
Variant type: single nucleotide variant.
Coding change: c.4785C>A on transcript NM_182914.3 (MANE Select); coding-DNA position 4785, C replaced by A.
Protein change: p.Asn1595Lys; replaces asparagine 1595 with lysine.
Molecular consequence: missense variant.
Genome position (GRCh38, 1-based): chr14:64,016,529, C>A. VCF-style: chr14-64016529-C-A. GRCh37 (hg19) VCF-style: chr14-64483247-C-A.
Other names: c.4785C>A, p.Asn1595Lys (NM_015180.6); short protein forms N1595K.
Identifiers: ClinVar variation 282619 (VCV000282619.18), dbSNP rs199704293, ClinGen allele CA7220311.
Genomic context (GRCh38, chr14:64,016,529, plus strand): 5'-ACAGATTGAAATTGTCAAAGAAGAATTTAATGAGCATTTAGAAGTTGTAGACAAGATAAA[C>A]CAGGTCTGCAAAAATCTACAATTTTATCTAAATAAAATGAAAACTTTTGAAGAGCCCCCT-3'
Protein context (NP_878918.2, residues 1585-1605): NEHLEVVDKI[Asn1595Lys]QVCKNLQFYL